The following is an entry in ClinVar:

NM_133178.4(PTPRU):c.-10C>A

Genes: PTPRU (protein tyrosine phosphatase receptor type U; plus strand), LOC129929955 (ATAC-STARR-seq lymphoblastoid silent region 556; plus strand). Cytogenetic location: 1p35.3.
Variant type: single nucleotide variant.
Coding change: c.-10C>A on transcript NM_133178.4 (MANE Select); 10 bases upstream of the start codon, C replaced by A.
Molecular consequence: 5 prime UTR variant.
Genome position (GRCh38, 1-based): chr1:29,236,635, C>A. VCF-style: chr1-29236635-C-A. GRCh37 (hg19) VCF-style: chr1-29563147-C-A.
Other names: c.-10C>A (NM_001195001.2, NM_005704.5, NM_133177.4).
Identifiers: ClinVar variation 3352635 (VCV003352635.1).

ClinVar aggregate classification (germline): Likely benign (0 of 4 stars; one submission).

Conditions:
PTPRU-related disorder. Also called: PTPRU-related condition.

gnomAD v4.1: 396 of 1,261,350 alleles (0.031%); highest among the groups gnomAD compares: Admixed American, 0.95%; no homozygotes.

Submission:

PreventionGenetics, part of Exact Sciences
Classification: Likely benign for PTPRU-related condition. Last evaluated: 2024-09-17. Review status: no assertion criteria provided. Collection method: clinical testing. Allele origin: germline.
Comment: This variant is classified as likely benign based on ACMG/AMP sequence variant interpretation guidelines (Richards et al. 2015 PMID: 25741868, with internal and published modifications).